The following is an entry in ClinVar:

ClinVar aggregate classification (germline): Uncertain significance. Review status: criteria provided, multiple submitters, no conflicts (2 of 4 stars). 4 submissions from 4 submitters: Uncertain significance (4). Last evaluated 2025-09-10.

Conditions:
Inborn genetic diseases. Identifiers: MedGen C0950123, MeSH D030342.
Severe combined immunodeficiency due to IKK2 deficiency. Also called: Immunodeficiency 15; IMMUNODEFICIENCY 15B. Identifiers: Orphanet 397787, MedGen C4747743, MONDO:0014267, OMIM 615592.

Allele frequency attached by ClinVar (database versions not stated): gnomAD exomes below 0.00001 and 0.00001; gnomAD 0.00001; TOPMed 0.00001.
gnomAD v4.1: 12 of 1,614,022 alleles (0.00074%); highest among the groups gnomAD compares: Middle Eastern, 0.033%; no homozygotes.

Submissions (4):

Labcorp Genetics (formerly Invitae), Labcorp
Classification: Uncertain significance for Severe combined immunodeficiency due to IKK2 deficiency. Last evaluated: 2025-09-10. Review status: criteria provided, single submitter. Criteria: Invitae Variant Classification Sherloc (09022015). Collection method: clinical testing. Allele origin: germline.
Comment: This sequence change replaces proline, which is neutral and non-polar, with leucine, which is neutral and non-polar, at codon 5 of the IKBKB protein (p.Pro5Leu). This variant is present in population databases (rs201805807, gnomAD 0.0008%). This variant has not been reported in the literature in individuals affected with IKBKB-related conditions. ClinVar contains an entry for this variant (Variation ID: 1349650). Invitae Evidence Modeling of protein sequence and biophysical properties (such as structural, functional, and spatial information, amino acid conservation, physicochemical variation, residue mobility, and thermodynamic stability) indicates that this missense variant is not expected to disrupt IKBKB protein function with a negative predictive value of 95%. In summary, the available evidence is currently insufficient to determine the role of this variant in disease. Therefore, it has been classified as a Variant of Uncertain Significance.

Ambry Genetics
Classification: Uncertain significance for Inborn genetic diseases. Last evaluated: 2024-05-30. Review status: criteria provided, single submitter. Criteria: Ambry Variant Classification Scheme 2023. Collection method: clinical testing. Allele origin: germline.

Blueprint Genetics
Classification: Uncertain significance. Last evaluated: 2024-03-13. Review status: criteria provided, single submitter. Criteria: ACMG Guidelines, 2015. Collection method: clinical testing. Allele origin: germline.

Breakthrough Genomics
Classification: Uncertain significance. Review status: criteria provided, single submitter. Criteria: ACMG Guidelines, 2015. Collection method: not provided. Allele origin: germline. Inheritance: Autosomal recessive inheritance. Affected: yes.

NM_001556.3(IKBKB):c.14C>T (p.Pro5Leu)

Gene: IKBKB (inhibitor of nuclear factor kappa B kinase subunit beta; plus strand). Cytogenetic location: 8p11.21.
Variant type: single nucleotide variant.
Coding change: c.14C>T on transcript NM_001556.3 (MANE Select); coding-DNA position 14, C replaced by T.
Protein change: p.Pro5Leu; replaces proline 5 with leucine.
Molecular consequence: missense variant. On other transcripts: 5 prime UTR variant (1), non-coding transcript variant (3), intron variant (1).
Genome position (GRCh38, 1-based): chr8:42,272,114, C>T. VCF-style: chr8-42272114-C-T. GRCh37 (hg19) VCF-style: chr8-42129632-C-T.
Other names: c.14C>T (NM_001556.2); c.-69C>T (NM_001242778.2); c.-88+645C>T (NM_001190720.3); short protein forms P5L.
Identifiers: ClinVar variation 1349650 (VCV001349650.8), dbSNP rs201805807, ClinGen allele CA175977200.
Genomic context (GRCh38, chr8:42,272,114, plus strand): 5'-CTTTTTTCCCCATCCCAAATTGCTTATAGAGTTAGCACGACATCAGTATGAGCTGGTCAC[C>T]TTCCCTGACAACGCAGACATGTGGGGCCTGGGAAATGAAAGAGCGCCTTGGGACAGGGGG-3'
Protein context (NP_001547.1, residues 1-15): MSWS[Pro5Leu]SLTTQTCGAW